The following is an entry in ClinVar:

NM_004646.4(NPHS1):c.14_15insAGTC (p.Thr6fs)

Genes: KIRREL2 (kirre like nephrin family adhesion molecule 2; plus strand), NPHS1 (NPHS1 adhesion molecule, nephrin; minus strand). Cytogenetic location: 19q13.12.
Variant type: Insertion.
Coding change: c.14_15insAGTC on transcript NM_004646.4 (MANE Select); coding-DNA positions 14 to 15, AGTC inserted.
Protein change: p.Thr6fs; shifts the reading frame from threonine 6.
Molecular consequence: frameshift variant.
Genome position: GRCh38 VCF-style: chr19-35851823-C-CGACT. GRCh37 (hg19) VCF-style: chr19-36342725-C-CGACT.
Other names: short protein forms T6fs.
Identifiers: ClinVar variation 5012341 (VCV005012341.1).
Genomic context (GRCh38, chr19:35,851,823, plus strand): 5'-GCTGGGATCCCACTCACCTTCAGTCAGCAGCCCCAGGAGCAGGAGAGAAGCCCTGAGCGT[C>CGACT]GTCCCCAGGGCCATCACAGGTCCCCCTACTGTGACCCCCACAGCGCCCGCTGCCAGCCAC-3'

ClinVar aggregate classification (germline): Pathogenic (1 of 4 stars; one submission).

Conditions:
Finnish congenital nephrotic syndrome (NPHS1). Also called: NEPHROTIC SYNDROME, TYPE 1. Identifiers: Orphanet 839, MedGen C0403399, MONDO:0009732, OMIM 256300.

Submission:

Myriad Genetics, Inc.
Classification: Pathogenic for Finnish congenital nephrotic syndrome. Last evaluated: 2023-09-30. Review status: criteria provided, single submitter. Criteria: Myriad Autosomal Dominant, Autosomal Recessive and X-Linked Classification Criteria (2023). Collection method: clinical testing. Allele origin: unknown.
Comment: NM_004646.3(NPHS1):c.14_15insAGTC(T6Vfs*15) is expected to be pathogenic in the context of nephrotic syndrome, NPHS1-related. This variant is predicted to lead to an abnormal or absent protein product due to the creation of a premature termination codon in NPHS1, a gene where loss-of-function variants are known to be pathogenic. Please note: this variant was assessed in the context of healthy population screening.